The following is an entry in ClinVar:

ClinVar aggregate classification (germline): Likely benign. Review status: criteria provided, multiple submitters, no conflicts (2 of 4 stars). 5 submissions from 5 submitters: Likely benign (5). Last evaluated 2025-06-02.

Allele frequency attached by ClinVar (database versions not stated): TOPMed 0.00006; gnomAD exomes 0.00009; gnomAD 0.00011; ExAC 0.00016; ESP Exome Variant Server 0.00023.
gnomAD v4.1: 95 of 1,614,036 alleles (0.0059%); highest among the groups gnomAD compares: Non-Finnish European, 0.0073%; no homozygotes.

Submissions (5):

Labcorp Genetics (formerly Invitae), Labcorp
Classification: Likely benign. Last evaluated: 2025-06-02. Review status: criteria provided, single submitter. Criteria: Invitae Variant Classification Sherloc (09022015). Collection method: clinical testing. Allele origin: germline.

Laboratory of Genetics, Children's Clinical University Hospital Latvia
Classification: Likely benign. Last evaluated: 2025-02-16. Review status: criteria provided, single submitter. Criteria: ACMG Guidelines, 2015. Collection method: clinical testing. Allele origin: germline. Affected: yes.

Mayo Clinic Laboratories, Mayo Clinic
Classification: Likely benign. Last evaluated: 2024-12-30. Review status: criteria provided, single submitter. Criteria: ACMG Guidelines, 2015. Collection method: clinical testing. Allele origin: germline. Observed: 1 variant allele.
Comment: BP4, BP7

Blueprint Genetics
Classification: Likely benign. Last evaluated: 2024-11-24. Review status: criteria provided, single submitter. Criteria: ACMG Guidelines, 2015. Collection method: clinical testing. Allele origin: germline.

GeneDx
Classification: Likely benign. Last evaluated: 2020-12-09. Review status: criteria provided, single submitter. Criteria: GeneDx Variant Classification Process June 2021. Collection method: clinical testing. Allele origin: germline. Affected: yes.

NM_138395.4(MARS2):c.1410T>C (p.Tyr470=)

Gene: MARS2 (methionyl-tRNA synthetase 2, mitochondrial; plus strand). Cytogenetic location: 2q33.1.
Variant type: single nucleotide variant.
Coding change: c.1410T>C on transcript NM_138395.4 (MANE Select); coding-DNA position 1410, T replaced by C.
Protein change: p.Tyr470=; no amino-acid change (tyrosine 470 retained).
Molecular consequence: synonymous variant.
Genome position (GRCh38, 1-based): chr2:197,706,815, T>C. VCF-style: chr2-197706815-T-C. GRCh37 (hg19) VCF-style: chr2-198571539-T-C.
Other names: p.Tyr470=.
Identifiers: ClinVar variation 388153 (VCV000388153.15), dbSNP rs368899633, ClinGen allele CA2044759.